The following is an entry in ClinVar:

ClinVar aggregate classification (germline): Uncertain significance (1 of 4 stars; one submission).

Conditions:
Spinocerebellar ataxia, autosomal recessive, with axonal neuropathy 2 (SCAN2). Also called: Ataxia-ocular apraxia-2; ATAXIA-OCULOMOTOR APRAXIA 2; Ataxia with Oculomotor Apraxia; Ataxia with Oculomotor Apraxia Type 2. Identifiers: Orphanet 64753, MedGen C1853761, MONDO:0018996, OMIM 606002.
Amyotrophic lateral sclerosis type 4 (ALS4). Also called: AMYOTROPHIC LATERAL SCLEROSIS 4, JUVENILE; NEURONOPATHY, DISTAL HEREDITARY MOTOR, WITH PYRAMIDAL FEATURES. Identifiers: Orphanet 357043, MedGen C1865409, MONDO:0011223, OMIM 602433.

gnomAD v4.1: 1 of 1,614,172 alleles (0.000062%); highest among the groups gnomAD compares: Admixed American, 0.0017%; no homozygotes.

Submission:

Labcorp Genetics (formerly Invitae), Labcorp
Classification: Uncertain significance for Amyotrophic lateral sclerosis type 4; Spinocerebellar ataxia, autosomal recessive, with axonal neuropathy 2. Last evaluated: 2024-05-07. Review status: criteria provided, single submitter. Criteria: Invitae Variant Classification Sherloc (09022015). Collection method: clinical testing. Allele origin: germline.
Comment: This sequence change replaces glycine, which is neutral and non-polar, with arginine, which is basic and polar, at codon 1525 of the SETX protein (p.Gly1525Arg). This variant is not present in population databases (gnomAD no frequency). This variant has not been reported in the literature in individuals affected with SETX-related conditions. Advanced modeling of protein sequence and biophysical properties (such as structural, functional, and spatial information, amino acid conservation, physicochemical variation, residue mobility, and thermodynamic stability) performed at Invitae indicates that this missense variant is not expected to disrupt SETX protein function with a negative predictive value of 95%. In summary, the available evidence is currently insufficient to determine the role of this variant in disease. Therefore, it has been classified as a Variant of Uncertain Significance.

NM_015046.7(SETX):c.4573G>A (p.Gly1525Arg)

Gene: SETX (senataxin; minus strand). Cytogenetic location: 9q34.13.
Variant type: single nucleotide variant.
Coding change: c.4573G>A on transcript NM_015046.7 (MANE Select); coding-DNA position 4573, G replaced by A.
Protein change: p.Gly1525Arg; replaces glycine 1525 with arginine.
Molecular consequence: missense variant.
Genome position (GRCh38, 1-based): chr9:132,327,025, C>T on the plus strand (G>A on the coding strand, the complement: SETX is on the minus strand). VCF-style: chr9-132327025-C-T. GRCh37 (hg19) VCF-style: chr9-135202412-C-T.
Other names: c.4573G>A, p.Gly1525Arg (NM_001351527.2, NM_001351528.2); short protein forms G1525R.
Identifiers: ClinVar variation 3762072 (VCV003762072.2).